The following is an entry in ClinVar:

NM_002336.3(LRP6):c.4584C>A (p.Pro1528=)

Gene: LRP6 (LDL receptor related protein 6; minus strand). Cytogenetic location: 12p13.2.
Variant type: single nucleotide variant.
Coding change: c.4584C>A on transcript NM_002336.3 (MANE Select); coding-DNA position 4584, C replaced by A.
Protein change: p.Pro1528=; no amino-acid change (proline 1528 retained).
Molecular consequence: synonymous variant.
Genome position (GRCh38, 1-based): chr12:12,121,384, G>T on the plus strand (C>A on the coding strand, the complement: LRP6 is on the minus strand). VCF-style: chr12-12121384-G-T. GRCh37 (hg19) VCF-style: chr12-12274318-G-T.
Identifiers: ClinVar variation 1598729 (VCV001598729.33), dbSNP rs145639537, ClinGen allele CA6454893.

ClinVar aggregate classification (germline): Benign/Likely benign. Review status: criteria provided, multiple submitters, no conflicts (2 of 4 stars). 3 submissions from 3 submitters: Benign (2); Likely benign (1). Last evaluated 2026-01-06.

Allele frequency attached by ClinVar (database versions not stated): gnomAD 0.00058 and 0.00060; TOPMed 0.00059; ESP Exome Variant Server 0.00062.
gnomAD v4.1: 794 of 1,613,958 alleles (0.049%); highest among the groups gnomAD compares: Middle Eastern, 0.082%; 3 homozygotes.

Submissions (3):

Labcorp Genetics (formerly Invitae), Labcorp
Classification: Benign. Last evaluated: 2026-01-06. Review status: criteria provided, single submitter. Criteria: Invitae Variant Classification Sherloc (09022015). Collection method: clinical testing. Allele origin: germline.

CeGaT Center for Human Genetics Tuebingen
Classification: Likely benign. Last evaluated: 2022-12-01. Review status: criteria provided, single submitter. Criteria: CeGaT Center For Human Genetics Tuebingen Variant Classification Criteria Version 2. Collection method: clinical testing. Allele origin: germline. Affected: yes. Observed: 1 variant allele.
Comment: LRP6: BP4, BP7, BS1

Breakthrough Genomics
Classification: Benign. Review status: criteria provided, single submitter. Criteria: ACMG Guidelines, 2015. Collection method: not provided. Allele origin: germline. Inheritance: Autosomal dominant inheritance. Affected: yes.